The following is an entry in ClinVar:

ClinVar aggregate classification (germline): Likely benign. Review status: criteria provided, single submitter (1 of 4 stars). 2 submissions from 2 submitters: Likely benign (1). 1 of the submissions does not count toward it. Last evaluated 2025-11-24.

Conditions:
IL12B-related disorder. Also called: IL12B-related condition.
Mendelian susceptibility to mycobacterial diseases due to complete IL12B deficiency. Also called: IL12B DEFICIENCY; Immunodeficiency 29. Identifiers: Orphanet 319558, MedGen C4013948, MONDO:0013954, OMIM 614890.

Allele frequency attached by ClinVar (database versions not stated): TOPMed 0.00006; 1000 Genomes Project 30x 0.00016; 1000 Genomes Project 0.00020.
gnomAD v4.1: 158 of 1,611,964 alleles (0.0098%); highest among the groups gnomAD compares: Non-Finnish European, 0.013%; no homozygotes.

Submissions (2):

Labcorp Genetics (formerly Invitae), Labcorp
Classification: Likely benign for Mendelian susceptibility to mycobacterial diseases due to complete IL12B deficiency. Last evaluated: 2025-11-24. Review status: criteria provided, single submitter. Criteria: Invitae Variant Classification Sherloc (09022015). Collection method: clinical testing. Allele origin: germline.

PreventionGenetics, part of Exact Sciences
Classification: Likely benign for IL12B-related condition. Last evaluated: 2019-03-13. Review status: no assertion criteria provided. Collection method: clinical testing. Allele origin: germline. Not counted in ClinVar's aggregate classification.
Comment: This variant is classified as likely benign based on ACMG/AMP sequence variant interpretation guidelines (Richards et al. 2015 PMID: 25741868, with internal and published modifications).

NM_002187.3(IL12B):c.483-6C>T

Gene: IL12B (interleukin 12B; minus strand). Cytogenetic location: 5q33.3.
Variant type: single nucleotide variant.
Coding change: c.483-6C>T on transcript NM_002187.3 (MANE Select); 6 bases into the intron before coding-DNA position 483, C replaced by T.
Molecular consequence: intron variant.
Genome position (GRCh38, 1-based): chr5:159,320,526, G>A on the plus strand (C>T on the coding strand, the complement: IL12B is on the minus strand). VCF-style: chr5-159320526-G-A. GRCh37 (hg19) VCF-style: chr5-158747534-G-A.
Identifiers: ClinVar variation 734424 (VCV000734424.13), dbSNP rs373640168, ClinGen allele CA3538777.